The following is an entry in ClinVar:

ClinVar aggregate classification (germline): Conflicting classifications of pathogenicity. Review status: criteria provided, conflicting classifications (1 of 4 stars). 3 submissions from 3 submitters: Uncertain significance (2); Likely benign (1). Last evaluated 2025-10-07.

Conditions:
Adams-Oliver syndrome 5 (AOS5). Identifiers: Orphanet 974, MedGen C4014970, MONDO:0014459, OMIM 616028.
Familial thoracic aortic aneurysm and aortic dissection (TAAD). Also called: Thoracic aortic aneurysms and dissections. Identifiers: Orphanet 91387, MedGen C4707243, MONDO:0019625.

Allele frequency attached by ClinVar (database versions not stated): gnomAD 0.00001; gnomAD exomes 0.00002 and 0.00003; TOPMed 0.00002; ExAC 0.00003; ESP Exome Variant Server 0.00008; 1000 Genomes Project 30x 0.00016; 1000 Genomes Project 0.00020.
gnomAD v4.1: 23 of 1,612,220 alleles (0.0014%); highest among the groups gnomAD compares: South Asian, 0.0066%; no homozygotes.

Submissions (3):

Labcorp Genetics (formerly Invitae), Labcorp
Classification: Likely benign for Adams-Oliver syndrome 5. Last evaluated: 2025-10-07. Review status: criteria provided, single submitter. Criteria: Invitae Variant Classification Sherloc (09022015). Collection method: clinical testing. Allele origin: germline.

Ambry Genetics
Classification: Uncertain significance for Familial thoracic aortic aneurysm and aortic dissection. Last evaluated: 2024-03-22. Review status: criteria provided, single submitter. Criteria: Ambry Variant Classification Scheme 2023. Collection method: clinical testing. Allele origin: germline.
Comment: The p.R2087W variant (also known as c.6259C>T), located in coding exon 34 of the NOTCH1 gene, results from a C to T substitution at nucleotide position 6259. The arginine at codon 2087 is replaced by tryptophan, an amino acid with dissimilar properties. This amino acid position is highly conserved in available vertebrate species. In addition, the in silico prediction for this alteration is inconclusive. Since supporting evidence is limited at this time, the clinical significance of this alteration remains unclear.

Eurofins Ntd Llc (ga)
Classification: Uncertain significance. Last evaluated: 2018-06-22. Review status: criteria provided, single submitter. Criteria: EGL ClinVar v180209 classification definitions. Collection method: clinical testing. Allele origin: germline. Observed: 1 variant allele, 1 heterozygote.

NM_017617.5(NOTCH1):c.6259C>T (p.Arg2087Trp)

Gene: NOTCH1 (notch receptor 1; minus strand). Cytogenetic location: 9q34.3.
Variant type: single nucleotide variant.
Coding change: c.6259C>T on transcript NM_017617.5 (MANE Select); coding-DNA position 6259, C replaced by T.
Protein change: p.Arg2087Trp; replaces arginine 2087 with tryptophan.
Molecular consequence: missense variant.
Genome position (GRCh38, 1-based): chr9:136,497,480, G>A on the plus strand (C>T on the coding strand, the complement: NOTCH1 is on the minus strand). VCF-style: chr9-136497480-G-A. GRCh37 (hg19) VCF-style: chr9-139391932-G-A.
Other names: c.6259C>T, p.Arg2087Trp (LRG_1122t1); short protein forms R2087W.
Identifiers: ClinVar variation 597694 (VCV000597694.12), dbSNP rs373806373, ClinGen allele CA5339957.